The following is an entry in ClinVar:

NM_004006.3(DMD):c.10725del (p.Met3576fs)

Gene: DMD (dystrophin; minus strand). Cytogenetic location: Xp21.2.
Variant type: Deletion.
Coding change: c.10725del on transcript NM_004006.3 (MANE Select); coding-DNA position 10725, one base deleted (G; older notation c.10725delG).
Protein change: p.Met3576fs; shifts the reading frame from methionine 3576.
Molecular consequence: frameshift variant.
Genome position (GRCh38, 1-based): chrX:31,147,347, C deleted on the plus strand (G on the coding strand, the reverse complement: DMD is on the minus strand); the first of 2 consecutive C bases (chrX:31,147,347-31,147,348); deleting either gives the same sequence. VCF-style (leftmost placement, unchanged base first): chrX-31147346-TC-T. GRCh37 (hg19) VCF-style: chrX-31165463-TC-T.
Other names: c.10725delG (NM_004006.2); c.10701del, p.Met3568fs (NM_000109.4); c.10713del, p.Met3572fs (NM_004009.3); c.10356del, p.Met3453fs (NM_004010.3); c.6702del, p.Met2235fs (NM_004011.4); c.6693del, p.Met2232fs (NM_004012.4); c.3345del, p.Met1116fs (NM_004013.3, NM_004021.3); c.2538del, p.Met847fs (NM_004014.3); and 4 more; short protein forms M3568fs, M3576fs, M495fs, M508fs, M847fs, M1103fs, M3572fs, M1006fs.
Identifiers: ClinVar variation 409894 (VCV000409894.9), dbSNP rs1060502625, ClinGen allele CA16616651.

ClinVar aggregate classification (germline): Pathogenic (1 of 4 stars; one submission).

Conditions:
Duchenne muscular dystrophy (DMD). Also called: MUSCULAR DYSTROPHY, PSEUDOHYPERTROPHIC PROGRESSIVE, DUCHENNE TYPE; Duchenne Muscular Dystrophy (DMD). Identifiers: Orphanet 98896, MedGen C0013264, MONDO:0010679, OMIM 310200.

Submission:

Labcorp Genetics (formerly Invitae), Labcorp
Classification: Pathogenic for Duchenne muscular dystrophy. Last evaluated: 2016-06-13. Review status: criteria provided, single submitter. Criteria: Invitae Variant Classification Sherloc (09022015). Collection method: clinical testing. Allele origin: germline.
Comment: For these reasons, this variant has been classified as Pathogenic. While this particular variant has not been reported in the literature, truncating variants in DMD are known to be pathogenic (PMID: 16770791). This sequence change deletes 1 nucleotide from exon 75 of the DMD mRNA (c.10725delG), causing a frameshift at codon 3576. This creates a premature translational stop signal (p.Met3576Cysfs*18) and is expected to result in an absent or disrupted protein product.

Literature cited by the submitters: PubMed 16770791.